The following is an entry in ClinVar:

ClinVar aggregate classification (germline): Uncertain significance (1 of 4 stars; one submission).

Submission:

Labcorp Genetics (formerly Invitae), Labcorp
Classification: Uncertain significance. Last evaluated: 2022-03-20. Review status: criteria provided, single submitter. Criteria: Invitae Variant Classification Sherloc (09022015). Collection method: clinical testing. Allele origin: germline.
Comment: In summary, the available evidence is currently insufficient to determine the role of this variant in disease. Therefore, it has been classified as a Variant of Uncertain Significance. Algorithms developed to predict the effect of missense changes on protein structure and function (SIFT, PolyPhen-2, Align-GVGD) all suggest that this variant is likely to be tolerated. This variant has not been reported in the literature in individuals affected with KIAA1549-related conditions. This variant is present in population databases (rs377033404, gnomAD 0.009%). This sequence change replaces valine, which is neutral and non-polar, with aspartic acid, which is acidic and polar, at codon 521 of the KIAA1549 protein (p.Val521Asp).

NM_001164665.2(KIAA1549):c.1562T>A (p.Val521Asp)

Gene: KIAA1549 (KIAA1549; minus strand). Cytogenetic location: 7q34.
Variant type: single nucleotide variant.
Coding change: c.1562T>A on transcript NM_001164665.2 (MANE Select); coding-DNA position 1562, T replaced by A.
Protein change: p.Val521Asp; replaces valine 521 with aspartic acid.
Molecular consequence: missense variant.
Genome position (GRCh38, 1-based): chr7:138,918,064, A>T on the plus strand (T>A on the coding strand, the complement: KIAA1549 is on the minus strand). VCF-style: chr7-138918064-A-T. GRCh37 (hg19) VCF-style: chr7-138602810-A-T.
Other names: c.1562T>A, p.Val521Asp (NM_020910.3); short protein forms V521D.
Identifiers: ClinVar variation 1907420 (VCV001907420.5), dbSNP rs377033404, ClinGen allele CA4506691.
Genomic context (GRCh38, chr7:138,918,064, plus strand): 5'-AAGGAGCCAGCAGTAGGATCAAGTGACGCCGGCACAGAGAGGCGGCCGTGGGCAGGGGGA[A>T]CCTGTGTGGTTGTAACACTACTCATATCCACCTCGGCAGAAATGCCAACACTCGTCTCTG-3'
Protein context (NP_001158137.1, residues 511-531): VDMSSVTTTQ[Val521Asp]PPAHGRLSVP